The following is an entry in ClinVar:

ClinVar aggregate classification (germline): Uncertain significance (1 of 4 stars; one submission).

Conditions:
Joubert syndrome. Also called: Familial aplasia of the vermis; JOUBERT-BOLTSHAUSER SYNDROME; CEREBELLOPARENCHYMAL DISORDER IV. Identifiers: Orphanet 475, MedGen C5979921, MONDO:0018772.
Orofaciodigital syndrome I (OFD1). Also called: Papillon-Leage and Psaume Syndrome; OFDS I; Oral-Facial-Digital Syndrome Type I. Identifiers: Orphanet 2750, MedGen C1510460, MONDO:0010702, OMIM 311200.

gnomAD v4.1: 11 of 1,208,401 alleles (0.00091%); highest among the groups gnomAD compares: East Asian, 0.027%; no homozygotes.

Submission:

Labcorp Genetics (formerly Invitae), Labcorp
Classification: Uncertain significance for Orofaciodigital syndrome I; Joubert syndrome. Last evaluated: 2025-03-13. Review status: criteria provided, single submitter. Criteria: Invitae Variant Classification Sherloc (09022015). Collection method: clinical testing. Allele origin: germline.
Comment: This sequence change replaces lysine, which is basic and polar, with arginine, which is basic and polar, at codon 374 of the OFD1 protein (p.Lys374Arg). This variant is present in population databases (rs750791058, gnomAD 0.04%). This variant has not been reported in the literature in individuals affected with OFD1-related conditions. Invitae Evidence Modeling of protein sequence and biophysical properties (such as structural, functional, and spatial information, amino acid conservation, physicochemical variation, residue mobility, and thermodynamic stability) indicates that this missense variant is not expected to disrupt OFD1 protein function with a negative predictive value of 80%. In summary, the available evidence is currently insufficient to determine the role of this variant in disease. Therefore, it has been classified as a Variant of Uncertain Significance.

NM_003611.3(OFD1):c.1121A>G (p.Lys374Arg)

Gene: OFD1 (OFD1 centriole and centriolar satellite protein; plus strand). Cytogenetic location: Xp22.2.
Variant type: single nucleotide variant.
Coding change: c.1121A>G on transcript NM_003611.3 (MANE Select); coding-DNA position 1121, A replaced by G.
Protein change: p.Lys374Arg; replaces lysine 374 with arginine.
Molecular consequence: missense variant.
Genome position (GRCh38, 1-based): chrX:13,753,433, A>G. VCF-style: chrX-13753433-A-G. GRCh37 (hg19) VCF-style: chrX-13771552-A-G.
Other names: c.1001A>G, p.Lys334Arg (NM_001330209.2, NM_001440948.1); c.701A>G, p.Lys234Arg (NM_001330210.2); c.1121A>G, p.Lys374Arg (NM_001440947.1); short protein forms K374R, K234R, K334R.
Identifiers: ClinVar variation 4788059 (VCV004788059.1).
Genomic context (GRCh38, chrX:13,753,433, plus strand): 5'-AACTTGAACTGAAGGATGACTACATCATTAGAACTAATCGACTGATTGAAGATGAAAGGA[A>G]GAATAAAGGTGATGTTTGGGGGGAAAATAAGCTGTATTTTTCAGTTCTGCTGTAGGTTAT-3'
Protein context (NP_003602.1, residues 364-384): RTNRLIEDER[Lys374Arg]NKEKAVHLQE